The following is an entry in ClinVar:

ClinVar aggregate classification (germline): Uncertain significance (1 of 4 stars; one submission).

Conditions:
Neurodevelopmental disorder with or without hyperkinetic movements and seizures, autosomal dominant. Also called: Intellectual disability, autosomal dominant 8. Identifiers: MedGen C3280282, MONDO:0013655, OMIM 614254.

Submission:

Labcorp Genetics (formerly Invitae), Labcorp
Classification: Uncertain significance for Neurodevelopmental disorder with or without hyperkinetic movements and seizures, autosomal dominant. Last evaluated: 2024-06-12. Review status: criteria provided, single submitter. Criteria: Invitae Variant Classification Sherloc (09022015). Collection method: clinical testing. Allele origin: germline.
Comment: This sequence change replaces glutamine, which is neutral and polar, with histidine, which is basic and polar, at codon 86 of the GRIN1 protein (p.Gln86His). This variant also falls at the last nucleotide of exon 1, which is part of the consensus splice site for this exon. This variant is not present in population databases (gnomAD no frequency). This variant has not been reported in the literature in individuals affected with GRIN1-related conditions. An algorithm developed to predict the effect of missense changes on protein structure and function (PolyPhen-2) suggests that this variant is likely to be disruptive. Variants that disrupt the consensus splice site are a relatively common cause of aberrant splicing (PMID: 17576681, 9536098). Algorithms developed to predict the effect of sequence changes on RNA splicing suggest that this variant may disrupt the consensus splice site. In summary, the available evidence is currently insufficient to determine the role of this variant in disease. Therefore, it has been classified as a Variant of Uncertain Significance.

Literature cited by the submitters: PubMed 17576681; PubMed 9536098.

NM_007327.4(GRIN1):c.258G>T (p.Gln86His)

Gene: GRIN1 (glutamate ionotropic receptor NMDA type subunit 1; plus strand). Cytogenetic location: 9q34.3.
Variant type: single nucleotide variant.
Coding change: c.258G>T on transcript NM_007327.4 (MANE Select); coding-DNA position 258, G replaced by T.
Protein change: p.Gln86His; replaces glutamine 86 with histidine.
Molecular consequence: missense variant.
Genome position (GRCh38, 1-based): chr9:137,139,744, G>T. VCF-style: chr9-137139744-G-T. GRCh37 (hg19) VCF-style: chr9-140034196-G-T.
Other names: c.258G>T, p.Gln86His (NM_000832.7, NM_001185090.2, NM_001185091.2 and 1 more transcripts); short protein forms Q86H.
Identifiers: ClinVar variation 3656332 (VCV003656332.2).